The following is an entry in ClinVar:

NM_004514.4(FOXK2):c.1572C>G (p.Val524=)

Genes: FOXK2 (forkhead box K2; plus strand), FOXK2-AS1 (FOXK2 antisense RNA 1; minus strand). Cytogenetic location: 17q25.3.
Variant type: single nucleotide variant.
Coding change: c.1572C>G on transcript NM_004514.4 (MANE Select); coding-DNA position 1572, C replaced by G.
Protein change: p.Val524=; no amino-acid change (valine 524 retained).
Molecular consequence: synonymous variant.
Genome position (GRCh38, 1-based): chr17:82,586,196, C>G. VCF-style: chr17-82586196-C-G. GRCh37 (hg19) VCF-style: chr17-80544072-C-G.
Identifiers: ClinVar variation 3024770 (VCV003024770.22), dbSNP rs111240743, ClinGen allele CA8859544.

ClinVar aggregate classification (germline): Likely benign (1 of 4 stars; one submission).

Allele frequency attached by ClinVar (database versions not stated): ExAC 0.00053.

Submission:

CeGaT Center for Human Genetics Tuebingen
Classification: Likely benign. Last evaluated: 2024-06-01. Review status: criteria provided, single submitter. Criteria: CeGaT Center For Human Genetics Tuebingen Variant Classification Criteria Version 2. Collection method: clinical testing. Allele origin: germline. Affected: yes. Observed: 2 variant alleles.
Comment: FOXK2: BP4, BP7, BS2